The following is an entry in ClinVar:

NM_014712.3(SETD1A):c.46C>T (p.Gln16Ter)

Gene: SETD1A (SET domain containing 1A, histone lysine methyltransferase; plus strand). Cytogenetic location: 16p11.2.
Variant type: single nucleotide variant.
Coding change: c.46C>T on transcript NM_014712.3 (MANE Select); coding-DNA position 46, C replaced by T.
Protein change: p.Gln16Ter; replaces glutamine 16 with a stop codon.
Molecular consequence: nonsense.
Genome position (GRCh38, 1-based): chr16:30,958,777, C>T. VCF-style: chr16-30958777-C-T. GRCh37 (hg19) VCF-style: chr16-30970098-C-T.
Other names: short protein forms Q16*.
Identifiers: ClinVar variation 973880 (VCV000973880.1), dbSNP rs2056003750, ClinGen allele CA395645562.

ClinVar aggregate classification (germline): Likely pathogenic (1 of 4 stars; one submission).

Conditions:
Epilepsy, early-onset, with or without developmental delay. Identifiers: MedGen C5882670, MONDO:0030005, OMIM 618832.

Submission:

Johns Hopkins Genomics, Johns Hopkins University
Classification: Likely pathogenic for Epilepsy, early-onset, with or without developmental delay. Last evaluated: 2020-02-18. Review status: criteria provided, single submitter. Criteria: ACMG Guidelines, 2015. Collection method: clinical testing. Allele origin: germline.
Comment: The c.46C>T(p.Gln16Ter) variant is absent from ClinVar and population variant databases. This variant results in a premature stop codon in exon 2 likely leading to nonsense-mediated decay and lack of protein production. We consider this variant to be likely pathogenic.

Literature cited by the submitters: PubMed 26974950; PubMed 29463886; PubMed 31595951.